The following is an entry in ClinVar:

ClinVar aggregate classification (germline): Conflicting classifications of pathogenicity. Review status: criteria provided, conflicting classifications (1 of 4 stars). 4 submissions from 4 submitters: Uncertain significance (1); Likely benign (3). Last evaluated 2025-09-12.

Conditions:
PCNT-related disorder. Also called: PCNT-related condition.
Microcephalic osteodysplastic primordial dwarfism type II (MOPD2). Also called: OSTEODYSPLASTIC PRIMORDIAL DWARFISM, TYPE II; Microcephalic osteodysplastic primordial dwarfism with tooth abnormalities; MOPD II. Identifiers: Orphanet 2637, MedGen C0432246, MONDO:0008872, OMIM 210720.

Allele frequency attached by ClinVar (database versions not stated): ExAC 0.00002; gnomAD exomes 0.00003; TOPMed 0.00003.
gnomAD v4.1: 75 of 1,614,072 alleles (0.0046%); highest among the groups gnomAD compares: Non-Finnish European, 0.0061%; no homozygotes.

Submissions (4):

PreventionGenetics, part of Exact Sciences
Classification: Likely benign for PCNT-related condition. Last evaluated: 2025-09-12. Review status: criteria provided, single submitter. Criteria: ACMG Guidelines, 2015. Collection method: clinical testing. Allele origin: germline.
Comment: This variant is classified as likely benign based on ACMG/AMP sequence variant interpretation guidelines (Richards et al. 2015 PMID: 25741868, with internal and published modifications).

Labcorp Genetics (formerly Invitae), Labcorp
Classification: Likely benign. Last evaluated: 2024-06-06. Review status: criteria provided, single submitter. Criteria: Invitae Variant Classification Sherloc (09022015). Collection method: clinical testing. Allele origin: germline.

Illumina Laboratory Services, Illumina
Classification: Uncertain significance for Microcephalic osteodysplastic primordial dwarfism type II. Last evaluated: 2017-04-27. Review status: criteria provided, single submitter. Criteria: ICSL Variant Classification Criteria 13 December 2019. Collection method: clinical testing. Allele origin: germline.

Genetic Services Laboratory, University of Chicago
Classification: Likely benign. Last evaluated: 2017-03-10. Review status: criteria provided, single submitter. Criteria: ACMG Guidelines, 2015. Collection method: clinical testing. Allele origin: germline. Affected: no.

NM_006031.6(PCNT):c.138C>T (p.Val46=)

Genes: PCNT (pericentrin; plus strand), LOC128092249 (uncharacterized LOC128092249; plus strand). Cytogenetic location: 21q22.3.
Variant type: single nucleotide variant.
Coding change: c.138C>T on transcript NM_006031.6 (MANE Select); coding-DNA position 138, C replaced by T.
Protein change: p.Val46=; no amino-acid change (valine 46 retained).
Molecular consequence: synonymous variant. On other transcripts: 5 prime UTR variant (1).
Genome position (GRCh38, 1-based): chr21:46,326,460, C>T. VCF-style: chr21-46326460-C-T. GRCh37 (hg19) VCF-style: chr21-47746374-C-T.
Other names: c.-217C>T (NM_001315529.2).
Identifiers: ClinVar variation 436240 (VCV000436240.13), dbSNP rs762863150, ClinGen allele CA10078148.